The following is an entry in ClinVar:

ClinVar aggregate classification (germline): Conflicting classifications of pathogenicity. Review status: criteria provided, conflicting classifications (1 of 4 stars). 4 submissions from 4 submitters: Uncertain significance (1); Likely benign (3). Last evaluated 2025-12-14.

Conditions:
Osteogenesis imperfecta type I (OI1). Also called: Lobstein's Disease; OI, TYPE I; OSTEOGENESIS IMPERFECTA TARDA; OSTEOGENESIS IMPERFECTA WITH BLUE SCLERAE; Lobstein disease; Osteogenesis imperfecta type 1. Identifiers: Orphanet 216796, Orphanet 666, MedGen C0023931, MONDO:0008146, OMIM 166200. Disease mechanism: loss of function.

Allele frequency attached by ClinVar (database versions not stated): TOPMed 0.00002.
gnomAD v4.1: 71 of 1,614,032 alleles (0.0044%); highest among the groups gnomAD compares: Non-Finnish European, 0.0053%; no homozygotes.

Submissions (4):

Labcorp Genetics (formerly Invitae), Labcorp
Classification: Likely benign for Osteogenesis imperfecta type I. Last evaluated: 2025-12-14. Review status: criteria provided, single submitter. Criteria: Invitae Variant Classification Sherloc (09022015). Collection method: clinical testing. Allele origin: germline.

CeGaT Center for Human Genetics Tuebingen
Classification: Uncertain significance. Last evaluated: 2024-05-01. Review status: criteria provided, single submitter. Criteria: CeGaT Center For Human Genetics Tuebingen Variant Classification Criteria Version 2. Collection method: clinical testing. Allele origin: germline. Affected: yes. Observed: 1 variant allele.
Comment: COL1A1: PM2:Supporting, BP4

Blueprint Genetics
Classification: Likely benign. Last evaluated: 2023-10-31. Review status: criteria provided, single submitter. Criteria: ACMG Guidelines, 2015. Collection method: clinical testing. Allele origin: germline.

GeneDx
Classification: Likely benign. Last evaluated: 2016-12-27. Review status: criteria provided, single submitter. Criteria: GeneDx Variant Classification (06012015). Collection method: clinical testing. Allele origin: germline. Affected: yes.
Comment: This variant is considered likely benign or benign based on one or more of the following criteria: it is a conservative change, it occurs at a poorly conserved position in the protein, it is predicted to be benign by multiple in silico algorithms, and/or has population frequency not consistent with disease.

NM_000088.4(COL1A1):c.1875+8T>A

Gene: COL1A1 (collagen type I alpha 1 chain; minus strand). Cytogenetic location: 17q21.33.
Variant type: single nucleotide variant.
Coding change: c.1875+8T>A on transcript NM_000088.4 (MANE Select); 8 bases into the intron after coding-DNA position 1875, T replaced by A.
Molecular consequence: intron variant.
Genome position (GRCh38, 1-based): chr17:50,192,789, A>T on the plus strand (T>A on the coding strand, the complement: COL1A1 is on the minus strand). VCF-style: chr17-50192789-A-T. GRCh37 (hg19) VCF-style: chr17-48270150-A-T.
Identifiers: ClinVar variation 392254 (VCV000392254.29), dbSNP rs756572885, ClinGen allele CA8645053.